The following is an entry in ClinVar:

NM_020631.6(PLEKHG5):c.1052A>G (p.Tyr351Cys)

Gene: PLEKHG5 (pleckstrin homology and RhoGEF domain containing G5; minus strand). Cytogenetic location: 1p36.31.
Variant type: single nucleotide variant.
Coding change: c.1052A>G on transcript NM_020631.6 (MANE Select); coding-DNA position 1052, A replaced by G.
Protein change: p.Tyr351Cys; replaces tyrosine 351 with cysteine.
Molecular consequence: missense variant.
Genome position (GRCh38, 1-based): chr1:6,472,555, T>C on the plus strand (A>G on the coding strand, the complement: PLEKHG5 is on the minus strand). VCF-style: chr1-6472555-T-C. GRCh37 (hg19) VCF-style: chr1-6532615-T-C.
Other names: c.1163A>G, p.Tyr388Cys (NM_001042663.3, NM_001265592.2); c.1052A>G, p.Tyr351Cys (NM_001042664.2, NM_001042665.2, NM_001265594.3 and 1 more transcripts); c.1259A>G, p.Tyr420Cys (NM_001265593.2); short protein forms Y388C, Y420C, Y351C.
Identifiers: ClinVar variation 2180868 (VCV002180868.6), dbSNP rs2523183819, ClinGen allele CA338132612.

ClinVar aggregate classification (germline): Uncertain significance. Review status: criteria provided, multiple submitters, no conflicts (2 of 4 stars). 2 submissions from 2 submitters: Uncertain significance (2). Last evaluated 2023-09-13.

Conditions:
Inborn genetic diseases. Identifiers: MedGen C0950123, MeSH D030342.
Neuronopathy, distal hereditary motor, autosomal recessive 4. Also called: Autosomal recessive lower motor neuron disease with childhood onset; NEUROPATHY, DISTAL HEREDITARY MOTOR, AUTOSOMAL RECESSIVE 4. Identifiers: Orphanet 206580, MedGen C1970211, MONDO:0012608, OMIM 611067.
Charcot-Marie-Tooth disease recessive intermediate C. Also called: CHARCOT-MARIE-TOOTH NEUROPATHY, RECESSIVE INTERMEDIATE C. Identifiers: Orphanet 369867, MedGen C3809309, MONDO:0014154, OMIM 615376.

Allele frequency attached by ClinVar (database versions not stated): gnomAD exomes 0.00001.

Submissions (2):

Ambry Genetics
Classification: Uncertain significance for Inborn genetic diseases. Last evaluated: 2023-09-13. Review status: criteria provided, single submitter. Criteria: Ambry Variant Classification Scheme 2023. Collection method: clinical testing. Allele origin: germline.

Labcorp Genetics (formerly Invitae), Labcorp
Classification: Uncertain significance for Neuronopathy, distal hereditary motor, autosomal recessive 4; Charcot-Marie-Tooth disease recessive intermediate C. Last evaluated: 2022-05-01. Review status: criteria provided, single submitter. Criteria: Invitae Variant Classification Sherloc (09022015). Collection method: clinical testing. Allele origin: germline.
Comment: This variant has not been reported in the literature in individuals affected with PLEKHG5-related conditions. In summary, the available evidence is currently insufficient to determine the role of this variant in disease. Therefore, it has been classified as a Variant of Uncertain Significance. Algorithms developed to predict the effect of missense changes on protein structure and function are either unavailable or do not agree on the potential impact of this missense change (SIFT: "Deleterious"; PolyPhen-2: "Probably Damaging"; Align-GVGD: "Class C0"). This variant is not present in population databases (gnomAD no frequency). This sequence change replaces tyrosine, which is neutral and polar, with cysteine, which is neutral and slightly polar, at codon 351 of the PLEKHG5 protein (p.Tyr351Cys).